The following is an entry in ClinVar:

ClinVar aggregate classification (germline): Uncertain significance (1 of 4 stars; one submission).

Allele frequency attached by ClinVar (database versions not stated): gnomAD 0.00001; 1000 Genomes Project 30x 0.00016; 1000 Genomes Project 0.00020.

Submission:

Ambry Genetics
Classification: Uncertain significance. Last evaluated: 2022-05-21. Review status: criteria provided, single submitter. Criteria: Ambry Variant Classification Scheme 2023. Collection method: clinical testing. Allele origin: germline.
Comment: The p.T809A variant (also known as c.2425A>G), located in coding exon 22 of the PRKDC gene, results from an A to G substitution at nucleotide position 2425. The threonine at codon 809 is replaced by alanine, an amino acid with similar properties. This amino acid position is conserved. In addition, this alteration is predicted to be tolerated by in silico analysis. Since supporting evidence is limited at this time, the clinical significance of this alteration remains unclear.

NM_006904.7(PRKDC):c.2425A>G (p.Thr809Ala)

Gene: PRKDC (protein kinase, DNA-activated, catalytic subunit; minus strand). Cytogenetic location: 8q11.21.
Variant type: single nucleotide variant.
Coding change: c.2425A>G on transcript NM_006904.7 (MANE Select); coding-DNA position 2425, A replaced by G.
Protein change: p.Thr809Ala; replaces threonine 809 with alanine.
Molecular consequence: missense variant.
Genome position (GRCh38, 1-based): chr8:47,918,378, T>C on the plus strand (A>G on the coding strand, the complement: PRKDC is on the minus strand). VCF-style: chr8-47918378-T-C. GRCh37 (hg19) VCF-style: chr8-48830938-T-C.
Other names: c.2425A>G, p.Thr809Ala (NM_001081640.2); short protein forms T809A.
Identifiers: ClinVar variation 1791071 (VCV001791071.2), dbSNP rs545651411, ClinGen allele CA176161357.